The following is an entry in ClinVar:

NM_001256470.2(PLEKHA5):c.3702T>C (p.Val1234=)

Gene: PLEKHA5 (pleckstrin homology domain containing A5; plus strand). Cytogenetic location: 12p12.3.
Variant type: single nucleotide variant.
Coding change: c.3702T>C on transcript NM_001256470.2 (MANE Select); coding-DNA position 3702, T replaced by C.
Protein change: p.Val1234=; no amino-acid change (valine 1234 retained).
Molecular consequence: synonymous variant. On other transcripts: non-coding transcript variant (6).
Genome position (GRCh38, 1-based): chr12:19,366,057, T>C. VCF-style: chr12-19366057-T-C. GRCh37 (hg19) VCF-style: chr12-19518991-T-C.
Other names: c.3378T>C, p.Val1126= (NM_001143821.3, NM_001385933.1, NM_001385968.1); c.3150T>C, p.Val1050= (NM_001256787.2); c.3684T>C, p.Val1228= (NM_001385923.1); c.3666T>C, p.Val1222= (NM_001385924.1); c.3648T>C, p.Val1216= (NM_001385925.1); c.3702T>C, p.Val1234= (NM_001385926.1); c.3582T>C, p.Val1194= (NM_001385927.1); c.3534T>C, p.Val1178= (NM_001385928.1); and 30 more.
Identifiers: ClinVar variation 4978770 (VCV004978770.1).

ClinVar aggregate classification (germline): Likely benign (1 of 4 stars; one submission).

Conditions:
PLEKHA5-related disorder. Also called: PLEKHA5-related condition.

gnomAD v4.1: 11 of 1,611,096 alleles (0.00068%); highest among the groups gnomAD compares: East Asian, 0.022%; no homozygotes.

Submission:

PreventionGenetics, part of Exact Sciences
Classification: Likely benign for PLEKHA5-related condition. Last evaluated: 2026-04-29. Review status: criteria provided, single submitter. Criteria: ACMG Guidelines, 2015. Collection method: clinical testing. Allele origin: germline.
Comment: This variant is classified as likely benign based on ACMG/AMP sequence variant interpretation guidelines (Richards et al. 2015 PMID: 25741868, with internal and published modifications).